The following is an entry in ClinVar:

ClinVar aggregate classification (germline): Uncertain significance. Review status: criteria provided, multiple submitters, no conflicts (2 of 4 stars). 2 submissions from 2 submitters: Uncertain significance (2). Last evaluated 2022-01-08.

Conditions:
Early-infantile DEE. Also called: Ohtahara syndrome; Early infantile epileptic encephalopathy with suppression bursts; Early infantile epileptic encephalopathy. Identifiers: Orphanet 1934, MedGen C0393706, MONDO:0800491.
Seizures, benign familial infantile, 5 (BFIS5). Also called: CONVULSIONS, BENIGN FAMILIAL INFANTILE, 5. Identifiers: Orphanet 306, MedGen C4310728, MONDO:0014903, OMIM 617080.

Allele frequency attached by ClinVar (database versions not stated): TOPMed below 0.00001; ExAC 0.00001; gnomAD 0.00001.
gnomAD v4.1: 1 of 1,613,936 alleles (0.000062%); highest among the groups gnomAD compares: African/African-American, 0.0013%; no homozygotes.

Submissions (2):

New York Genome Center
Classification: Uncertain significance for Seizures, benign familial infantile, 5. Last evaluated: 2022-01-08. Review status: criteria provided, single submitter. Criteria: NYGC Assertion Criteria 2020. Collection method: clinical testing. Allele origin: inherited. Observed: 1 heterozygote. Study: CSER-NYCKidSeq.
Comment: The variant has 0.0004% allele frequency in the gnomAD database (1 out of 248,892 heterozygous alleles), indicating this is a rare allele. In silico tools, SIFT, PolyPhen, REVEL, and CADD predict conflicting evidence of pathogenicity. Based on the available evidence,the c.235G>A, p.Val79Ilevariant in the SCN8A gene is classified as a variant of uncertain significance.

Labcorp Genetics (formerly Invitae), Labcorp
Classification: Uncertain significance for Early-infantile DEE. Last evaluated: 2021-06-17. Review status: criteria provided, single submitter. Criteria: Invitae Variant Classification Sherloc (09022015). Collection method: clinical testing. Allele origin: germline.
Comment: In summary, the available evidence is currently insufficient to determine the role of this variant in disease. Therefore, it has been classified as a Variant of Uncertain Significance. Algorithms developed to predict the effect of missense changes on protein structure and function (SIFT, PolyPhen-2, Align-GVGD) all suggest that this variant is likely to be tolerated, but these predictions have not been confirmed by published functional studies and their clinical significance is uncertain. This variant has not been reported in the literature in individuals with SCN8A-related conditions. ClinVar contains an entry for this variant (Variation ID: 978140). This variant is present in population databases (rs775593096, ExAC 0.01%). This sequence change replaces valine with isoleucine at codon 79 of the SCN8A protein (p.Val79Ile). The valine residue is moderately conserved and there is a small physicochemical difference between valine and isoleucine.

NM_001330260.2(SCN8A):c.235G>A (p.Val79Ile)

Genes: SCN8A (sodium voltage-gated channel alpha subunit 8; plus strand), LOC114803470 (SCN8A eExon liver enhancer; plus strand). Cytogenetic location: 12q13.13.
Variant type: single nucleotide variant.
Coding change: c.235G>A on transcript NM_001330260.2 (MANE Select); coding-DNA position 235, G replaced by A.
Protein change: p.Val79Ile; replaces valine 79 with isoleucine.
Molecular consequence: missense variant.
Genome position (GRCh38, 1-based): chr12:51,663,052, G>A. VCF-style: chr12-51663052-G-A. GRCh37 (hg19) VCF-style: chr12-52056836-G-A.
Other names: c.235G>A, p.Val79Ile (NM_001177984.3, NM_001369788.1, NM_014191.4); short protein forms V79I.
Identifiers: ClinVar variation 978140 (VCV000978140.10), dbSNP rs775593096, ClinGen allele CA6571014.